The following is an entry in ClinVar:

ClinVar aggregate classification (germline): Likely pathogenic. Review status: criteria provided, multiple submitters, no conflicts (2 of 4 stars). 4 submissions from 4 submitters: Likely pathogenic (3). 1 of the submissions does not count toward it. Last evaluated 2025-12-04.

Conditions:
Finnish congenital nephrotic syndrome (NPHS1). Also called: NEPHROTIC SYNDROME, TYPE 1. Identifiers: Orphanet 839, MedGen C0403399, MONDO:0009732, OMIM 256300.

Allele frequency attached by ClinVar (database versions not stated): gnomAD exomes 0.00001; TOPMed 0.00001.
gnomAD v4.1: 15 of 1,612,164 alleles (0.00093%); highest among the groups gnomAD compares: Non-Finnish European, 0.0012%; no homozygotes.

Submissions (4):

Women's Health and Genetics/Laboratory Corporation of America, LabCorp
Classification: Likely pathogenic for Finnish congenital nephrotic syndrome. Last evaluated: 2025-12-04. Review status: criteria provided, single submitter. Criteria: LabCorp Variant Classification Summary - May 2015. Collection method: clinical testing. Allele origin: germline.
Comment: Variant summary: NPHS1 c.2126T>G (p.Val709Gly) results in a non-conservative amino acid change in the encoded protein sequence. Algorithms developed to predict the effect of missense changes on protein structure and function all suggest that this variant is likely to be disruptive. The frequency data for this variant in gnomAD is considered unreliable, as metrics indicate poor data quality at this position. c.2126T>G has been observed in the homozygous state or with undefined zygosity in at least 3 individual(s) affected with Nephrotic Syndrome, Type 1 (example, Heeringa_2008, Behbahan_2013, Machuca_2010). These data indicate that the variant is likely to be associated with disease. To our knowledge, no experimental evidence demonstrating an impact on protein function has been reported. The following publications have been ascertained in the context of this evaluation (PMID: 18503012, 20507940, 27019444, 34758253, 24498843, 9915943). ClinVar contains an entry for this variant (Variation ID: 56462). Based on the evidence outlined above, the variant was classified as likely pathogenic.

Mendelics
Classification: Likely pathogenic for Finnish congenital nephrotic syndrome. Last evaluated: 2019-05-28. Review status: criteria provided, single submitter. Criteria: Mendelics Assertion Criteria 2017. Collection method: clinical testing. Allele origin: unknown.

Genomics England Pilot Project, Genomics England
Classification: Likely pathogenic for Finnish congenital nephrotic syndrome. Review status: criteria provided, single submitter. Criteria: ACGS Guidelines, 2016. Collection method: clinical testing. Allele origin: germline. Affected: yes.

Juha Muilu Group; Institute for Molecular Medicine Finland (FIMM)
Classification: Likely pathogenic for Finnish congenital nephrotic syndrome. Review status: no assertion criteria provided. Collection method: not provided. Allele origin: unknown. Not counted in ClinVar's aggregate classification.
Comment: FinDis database variant: This variant was not found or characterized by our laboratory, data were collected from public sources: see reference
ClinVar note: Converted during submission from probable-pathogenic to Likely pathogenic.

Literature cited by the submitters: PubMed 20507940 (cited by Women's Health and Genetics/Laboratory Corporation of America, LabCorp); PubMed 9915943 (cited by Women's Health and Genetics/Laboratory Corporation of America, LabCorp); PubMed 18503012 (cited by Women's Health and Genetics/Laboratory Corporation of America, LabCorp); PubMed 27019444 (cited by Women's Health and Genetics/Laboratory Corporation of America, LabCorp); PubMed 34758253 (cited by Women's Health and Genetics/Laboratory Corporation of America, LabCorp); PubMed 24498843 (cited by Women's Health and Genetics/Laboratory Corporation of America, LabCorp).

NM_004646.4(NPHS1):c.2126T>G (p.Val709Gly)

Gene: NPHS1 (NPHS1 adhesion molecule, nephrin; minus strand). Cytogenetic location: 19q13.12.
Variant type: single nucleotide variant.
Coding change: c.2126T>G on transcript NM_004646.4 (MANE Select); coding-DNA position 2126, T replaced by G.
Protein change: p.Val709Gly; replaces valine 709 with glycine.
Molecular consequence: missense variant.
Genome position (GRCh38, 1-based): chr19:35,844,189, A>C on the plus strand (T>G on the coding strand, the complement: NPHS1 is on the minus strand). VCF-style: chr19-35844189-A-C. GRCh37 (hg19) VCF-style: chr19-36335091-A-C.
Other names: short protein forms V709G.
Identifiers: ClinVar variation 56462 (VCV000056462.6), dbSNP rs386833902, ClinGen allele CA250167.
Genomic context (GRCh38, chr19:35,844,189, plus strand): 5'-TCCGCGGTGCCCTCAGAGTTCTGGCAGTGCAGCTGATAGAGGCCGTCGTCCGCGCGGGTC[A>C]CATTCCACAGATGCAGAGCCCCGCTGGACAGGATGCGATGCCGGGGGCCGCCCGCTGGGG-3'
Protein context (NP_004637.1, residues 699-719): LSSGALHLWN[Val709Gly]TRADDGLYQL